The following is an entry in ClinVar:

NM_000168.6(GLI3):c.961C>T (p.Leu321Phe)

Gene: GLI3 (GLI family zinc finger 3; minus strand). Cytogenetic location: 7p14.1.
Variant type: single nucleotide variant.
Coding change: c.961C>T on transcript NM_000168.6 (MANE Select); coding-DNA position 961, C replaced by T.
Protein change: p.Leu321Phe; replaces leucine 321 with phenylalanine.
Molecular consequence: missense variant.
Genome position (GRCh38, 1-based): chr7:42,040,105, G>A on the plus strand (C>T on the coding strand, the complement: GLI3 is on the minus strand). VCF-style: chr7-42040105-G-A. GRCh37 (hg19) VCF-style: chr7-42079704-G-A.
Other names: short protein forms L321F.
Identifiers: ClinVar variation 360248 (VCV000360248.6), dbSNP rs769956877, ClinGen allele CA4231010.

ClinVar aggregate classification (germline): Likely benign. Review status: criteria provided, multiple submitters, no conflicts (2 of 4 stars). 4 submissions from 2 submitters: Likely benign (4). Last evaluated 2025-02-16.

Conditions:
Pallister-Hall syndrome (PHS). Also called: HYPOTHALAMIC HAMARTOBLASTOMA, HYPOPITUITARISM, IMPERFORATE ANUS, AND POSTAXIAL POLYDACTYLY; GLI3-Related Pallister-Hall Syndrome. Identifiers: Orphanet 672, MedGen C0265220, MONDO:0007804, OMIM 146510.
Greig cephalopolysyndactyly syndrome (GCPS). Also called: POLYSYNDACTYLY WITH PECULIAR SKULL SHAPE; Greig syndrome; GLI3-Related Greig Cephalopolysyndactyly Syndrome. Identifiers: Orphanet 380, MedGen C0265306, MONDO:0008287, OMIM 175700.
Polydactyly. Also called: polydactylism. Identifiers: MedGen C0152427, MONDO:0021003, OMIM 603596, HP:0010442.

Allele frequency attached by ClinVar (database versions not stated): gnomAD 0.00001; ExAC 0.00002; gnomAD exomes 0.00002.
gnomAD v4.1: 34 of 1,613,928 alleles (0.0021%); highest among the groups gnomAD compares: Non-Finnish European, 0.0019%; no homozygotes.

Submissions (4):

Laboratory of Genetics, Children's Clinical University Hospital Latvia
Classification: Likely benign. Last evaluated: 2025-02-16. Review status: criteria provided, single submitter. Criteria: ACMG Guidelines, 2015. Collection method: clinical testing. Allele origin: germline. Affected: yes.

Illumina Laboratory Services, Illumina
Classification: Likely benign for Greig cephalopolysyndactyly syndrome. Last evaluated: 2018-01-12. Review status: criteria provided, single submitter. Criteria: ICSL Variant Classification Criteria 13 December 2019. Collection method: clinical testing. Allele origin: germline.
Comment: This variant was observed in the ICSL laboratory as part of a predisposition screen in an ostensibly healthy population. It had not been previously curated by ICSL or reported in the Human Gene Mutation Database (HGMD: prior to June 1st, 2018), and was therefore a candidate for classification through an automated scoring system. Utilizing variant allele frequency, disease prevalence and penetrance estimates, and inheritance mode, an automated score was calculated to assess if this variant is too frequent to cause the disease. Based on the score and internal cut-off values, a variant classified as likely benign is not then subjected to further curation. The score for this variant resulted in a classification of likely benign for this disease.

Illumina Laboratory Services, Illumina
Classification: Likely benign for Pallister-Hall syndrome. Last evaluated: 2018-01-12. Review status: criteria provided, single submitter. Criteria: ICSL Variant Classification Criteria 13 December 2019. Collection method: clinical testing. Allele origin: germline.
Comment: the same text as in the submission from Illumina Laboratory Services, Illumina above.

Illumina Laboratory Services, Illumina
Classification: Likely benign for Polydactyly. Last evaluated: 2018-01-12. Review status: criteria provided, single submitter. Criteria: ICSL Variant Classification Criteria 13 December 2019. Collection method: clinical testing. Allele origin: germline.
Comment: the same text as in the submission from Illumina Laboratory Services, Illumina above.